The following is an entry in ClinVar:

ClinVar aggregate classification (germline): Uncertain significance. Review status: criteria provided, multiple submitters, no conflicts (2 of 4 stars). 4 submissions from 4 submitters: Uncertain significance (3). 1 of the submissions does not count toward it. Last evaluated 2024-08-01.

Conditions:
IFT172-related disorder. Also called: IFT172-related condition; IFT172-related disorders.
Retinitis pigmentosa 71 (RP71). Identifiers: Orphanet 791, MedGen C4225342, MONDO:0014618, OMIM 616394.
Short-rib thoracic dysplasia 10 with or without polydactyly (SRTD10). Identifiers: Orphanet 474, MedGen C3810175, MONDO:0014284, OMIM 615630.
Inborn genetic diseases. Identifiers: MedGen C0950123, MeSH D030342.

Allele frequency attached by ClinVar (database versions not stated): ExAC 0.00001; gnomAD exomes 0.00002 and 0.00003; TOPMed 0.00002.
gnomAD v4.1: 52 of 1,613,056 alleles (0.0032%); highest among the groups gnomAD compares: Non-Finnish European, 0.004%; no homozygotes.

Submissions (4):

Blueprint Genetics
Classification: Uncertain significance. Last evaluated: 2024-08-01. Review status: criteria provided, single submitter. Criteria: ACMG Guidelines, 2015. Collection method: clinical testing. Allele origin: germline.

Ambry Genetics
Classification: Uncertain significance for Inborn genetic diseases. Last evaluated: 2023-02-23. Review status: criteria provided, single submitter. Criteria: Ambry Variant Classification Scheme 2023. Collection method: clinical testing. Allele origin: germline.

Labcorp Genetics (formerly Invitae), Labcorp
Classification: Uncertain significance for Retinitis pigmentosa 71; Short-rib thoracic dysplasia 10 with or without polydactyly. Last evaluated: 2022-10-05. Review status: criteria provided, single submitter. Criteria: Invitae Variant Classification Sherloc (09022015). Collection method: clinical testing. Allele origin: germline.
Comment: This sequence change replaces arginine, which is basic and polar, with glutamine, which is neutral and polar, at codon 217 of the IFT172 protein (p.Arg217Gln). This variant is present in population databases (rs777862424, gnomAD 0.003%). This variant has not been reported in the literature in individuals affected with IFT172-related conditions. ClinVar contains an entry for this variant (Variation ID: 969654). Advanced modeling of protein sequence and biophysical properties (such as structural, functional, and spatial information, amino acid conservation, physicochemical variation, residue mobility, and thermodynamic stability) performed at Invitae indicates that this missense variant is not expected to disrupt IFT172 protein function. In summary, the available evidence is currently insufficient to determine the role of this variant in disease. Therefore, it has been classified as a Variant of Uncertain Significance.

PreventionGenetics, part of Exact Sciences
Classification: Uncertain significance for IFT172-related condition. Last evaluated: 2024-07-02. Review status: no assertion criteria provided. Collection method: clinical testing. Allele origin: germline. Not counted in ClinVar's aggregate classification.
Comment: The IFT172 c.650G>A variant is predicted to result in the amino acid substitution p.Arg217Gln. To our knowledge, this variant has not been reported in the literature. This variant is reported in 0.0035% of alleles in individuals of European (Non-Finnish) descent in gnomAD. At this time, the clinical significance of this variant is uncertain due to the absence of conclusive functional and genetic evidence.

NM_015662.3(IFT172):c.650G>A (p.Arg217Gln)

Gene: IFT172 (intraflagellar transport 172; minus strand). Cytogenetic location: 2p23.3.
Variant type: single nucleotide variant.
Coding change: c.650G>A on transcript NM_015662.3 (MANE Select); coding-DNA position 650, G replaced by A.
Protein change: p.Arg217Gln; replaces arginine 217 with glutamine.
Molecular consequence: missense variant.
Genome position (GRCh38, 1-based): chr2:27,481,181, C>T on the plus strand (G>A on the coding strand, the complement: IFT172 is on the minus strand). VCF-style: chr2-27481181-C-T. GRCh37 (hg19) VCF-style: chr2-27704048-C-T.
Other names: c.650G>A (NM_015662.1); short protein forms R217Q.
Identifiers: ClinVar variation 969654 (VCV000969654.7), dbSNP rs777862424, ClinGen allele CA1580901.
Genomic context (GRCh38, chr2:27,481,181, plus strand): 5'-TCACGGCTATAATCAAAAGTTTGTAGCATGTGACCTTCTTTTCCATAGGCTACAATTTTC[C>T]GATCACAGCCTGCAGCCACGATGCTATTGGTTGCCCATGCCAAGGCATAGGGTGGACACG-3'
Protein context (NP_056477.1, residues 207-227): TNSIVAAGCD[Arg217Gln]KIVAYGKEGH